The following is an entry in ClinVar:

NM_177965.4(CFAP418):c.20A>C (p.Glu7Ala)

Genes: CFAP418 (cilia and flagella associated protein 418; minus strand), CFAP418-AS1 (CFAP418 antisense RNA 1; plus strand), LOC130000784 (ATAC-STARR-seq lymphoblastoid active region 27655; plus strand). Cytogenetic location: 8q22.1.
Variant type: single nucleotide variant.
Coding change: c.20A>C on transcript NM_177965.4 (MANE Select); coding-DNA position 20, A replaced by C.
Protein change: p.Glu7Ala; replaces glutamic acid 7 with alanine.
Molecular consequence: missense variant.
Genome position (GRCh38, 1-based): chr8:95,269,170, T>G on the plus strand (A>C on the coding strand, the complement: CFAP418 is on the minus strand). VCF-style: chr8-95269170-T-G. GRCh37 (hg19) VCF-style: chr8-96281398-T-G.
Other names: c.20A>C, p.Glu7Ala (NM_001363260.1); short protein forms E7A.
Identifiers: ClinVar variation 2021806 (VCV002021806.4), dbSNP rs1391298251, ClinGen allele CA371838006.

ClinVar aggregate classification (germline): Uncertain significance (1 of 4 stars; one submission).

Submission:

Labcorp Genetics (formerly Invitae), Labcorp
Classification: Uncertain significance. Last evaluated: 2022-08-05. Review status: criteria provided, single submitter. Criteria: Invitae Variant Classification Sherloc (09022015). Collection method: clinical testing. Allele origin: germline.
Comment: This sequence change replaces glutamic acid, which is acidic and polar, with alanine, which is neutral and non-polar, at codon 7 of the C8orf37 protein (p.Glu7Ala). This variant is not present in population databases (gnomAD no frequency). This variant has not been reported in the literature in individuals affected with C8orf37-related conditions. Algorithms developed to predict the effect of missense changes on protein structure and function output the following: SIFT: "Deleterious"; PolyPhen-2: "Benign"; Align-GVGD: "Class C0". The alanine amino acid residue is found in multiple mammalian species, which suggests that this missense change does not adversely affect protein function. In summary, the available evidence is currently insufficient to determine the role of this variant in disease. Therefore, it has been classified as a Variant of Uncertain Significance.